The following is an entry in ClinVar:

NM_007294.4(BRCA1):c.5332+18C>A

Gene: BRCA1 (BRCA1 DNA repair associated; minus strand). Cytogenetic location: 17q21.31.
Variant type: single nucleotide variant.
Coding change: c.5332+18C>A on transcript NM_007294.4 (MANE Select); 18 bases into the intron after coding-DNA position 5332, C replaced by A.
Molecular consequence: intron variant.
Genome position (GRCh38, 1-based): chr17:43,051,045, G>T on the plus strand (C>A on the coding strand, the complement: BRCA1 is on the minus strand). VCF-style: chr17-43051045-G-T. GRCh37 (hg19) VCF-style: chr17-41203062-G-T.
Other names: c.5119+18C>A (NM_001407906.1, NM_001407899.1, NM_001407895.1 and 12 more transcripts); c.5122+18C>A (NM_001407887.1, NM_001407889.1, NM_001407884.1 and 5 more transcripts); c.2014+18C>A (NM_001408408.1, NM_001408407.1, NM_001408406.1); c.5317+18C>A (NM_001407647.1); c.1894+18C>A (NM_001408446.1, NM_001408448.1, NM_001408445.1 and 2 more transcripts); c.1897+18C>A (NM_001408435.1, NM_001408444.1, NM_001408438.1 and 10 more transcripts); c.5200+18C>A (NM_001407691.1, NM_001407690.1); c.5203+18C>A (NM_001407685.1, NM_001407688.1, NM_001407682.1 and 6 more transcripts); and 74 more.
Identifiers: ClinVar variation 630766 (VCV000630766.5), dbSNP rs1567760469, ClinGen allele CA913187788.

ClinVar aggregate classification (germline): Likely benign (1 of 4 stars; one submission).

Conditions:
Hereditary cancer-predisposing syndrome. Also called: Hereditary neoplastic syndrome; Tumor predisposition; Hereditary Cancer Syndrome; Neoplastic Syndromes, Hereditary. Identifiers: Orphanet 140162, MedGen C0027672, MeSH D009386, MONDO:0015356.

Submissions (2):

Color Diagnostics, LLC DBA Color Health
Classification: Likely benign for Hereditary cancer-predisposing syndrome. Last evaluated: 2017-11-09. Review status: criteria provided, single submitter. Criteria: ACMG Guidelines, 2015. Collection method: clinical testing. Allele origin: germline.

Brotman Baty Institute, University of Washington
No classification provided (evidence only). Condition: Breast-ovarian cancer, familial 1. Review status: no classification provided. Collection method: in vitro. Allele origin: not applicable. Functional consequence: functionally_normal. Not counted in ClinVar's aggregate classification.
ClinVar note: "not provided" was previously submitted as the classification for the variant. However, the classification appeared to be based only on an observation of functional data so it was converted to no classification on 2025-07-30.